The following is an entry in ClinVar:

ClinVar aggregate classification (germline): Uncertain significance (1 of 4 stars; one submission).

Conditions:
Arginase deficiency. Also called: ARGININEMIA; ARG1 DEFICIENCY; Arginase 1 Deficiency. Identifiers: Orphanet 90, MedGen C0268548, MONDO:0008814, OMIM 207800.

Submission:

Labcorp Genetics (formerly Invitae), Labcorp
Classification: Uncertain significance for Arginase deficiency. Last evaluated: 2022-07-05. Review status: criteria provided, single submitter. Criteria: Invitae Variant Classification Sherloc (09022015). Collection method: clinical testing. Allele origin: germline.
Comment: This sequence change replaces valine, which is neutral and non-polar, with leucine, which is neutral and non-polar, at codon 159 of the ARG1 protein (p.Val159Leu). This variant is not present in population databases (gnomAD no frequency). In summary, the available evidence is currently insufficient to determine the role of this variant in disease. Therefore, it has been classified as a Variant of Uncertain Significance. Algorithms developed to predict the effect of missense changes on protein structure and function output the following: SIFT: "Tolerated"; PolyPhen-2: "Benign"; Align-GVGD: "Class C0". The leucine amino acid residue is found in multiple mammalian species, which suggests that this missense change does not adversely affect protein function. ClinVar contains an entry for this variant (Variation ID: 1042655). This variant has not been reported in the literature in individuals affected with ARG1-related conditions.

NM_000045.4(ARG1):c.475G>C (p.Val159Leu)

Genes: ARG1 (arginase 1; plus strand), MED23 (mediator complex subunit 23; minus strand). Cytogenetic location: 6q23.2.
Variant type: single nucleotide variant.
Coding change: c.475G>C on transcript NM_000045.4 (MANE Select); coding-DNA position 475, G replaced by C.
Protein change: p.Val159Leu; replaces valine 159 with leucine.
Molecular consequence: missense variant. On other transcripts: non-coding transcript variant (1), intron variant (3).
Genome position (GRCh38, 1-based): chr6:131,582,630, G>C. VCF-style: chr6-131582630-G-C. GRCh37 (hg19) VCF-style: chr6-131903770-G-C.
Other names: c.499G>C, p.Val167Leu (NM_001244438.2); c.306-430G>C (NM_001369020.1); c.4077+5079C>G (NM_001270521.2); c.4095+5079C>G (NM_015979.4); short protein forms V167L, V159L.
Identifiers: ClinVar variation 1042655 (VCV001042655.9), dbSNP rs1270108834, ClinGen allele CA365651253.